The following is an entry in ClinVar:

NM_181426.2(CCDC39):c.1871_1872del (p.Ile624fs)

Gene: CCDC39 (coiled-coil domain 39 molecular ruler complex subunit; minus strand). Cytogenetic location: 3q26.33.
Variant type: Deletion.
Coding change: c.1871_1872del on transcript NM_181426.2 (MANE Select); coding-DNA positions 1871 to 1872, 2 bases deleted (TA; older notation c.1871_1872delTA).
Protein change: p.Ile624fs; shifts the reading frame from isoleucine 624.
Molecular consequence: frameshift variant.
Genome position (GRCh38, 1-based): chr3:180,641,995-180,641,996, TA deleted on the plus strand (TA on the coding strand, the reverse complement: CCDC39 is on the minus strand); deleting any 2 consecutive bases within chr3:180,641,995-180,641,997 gives the same sequence; the c. name uses the placement nearest the transcript's 3' end. VCF-style (leftmost placement, unchanged base first): chr3-180641994-TTA-T. GRCh37 (hg19) VCF-style: chr3-180359782-TTA-T.
Other names: c.1871_1872delTA (NM_181426.2); short protein forms I624fs.
Identifiers: ClinVar variation 565319 (VCV000565319.13), dbSNP rs1560086701, ClinGen allele CA891843080.
Genomic context (GRCh38, chr3:180,641,994, plus strand): 5'-GTTCTCCTGACATCATCCTGTTTTTTTAATTCCTCAGCAGTTTTAAAACTGAAAATTACC[TTA>T]TGTTTTCCCGTTCTTGATCAACATATCTTATTTGTGACGCAAGCATTGTTTTATGAACCT-3'

ClinVar aggregate classification (germline): Pathogenic. Review status: criteria provided, multiple submitters, no conflicts (2 of 4 stars). 5 submissions from 5 submitters: Pathogenic (4). 1 of the submissions does not count toward it. Last evaluated 2024-09-22.

Conditions:
Primary ciliary dyskinesia. Also called: Ciliary dyskinesia. Identifiers: Orphanet 244, MedGen C0008780, MONDO:0016575, HP:0012265.
Heterotaxy. Also called: Situs ambiguus; Laterality sequence. Identifiers: Orphanet 157769, MedGen C0266642, HP:0030853.
CCDC39-related disorder. Also called: CCDC39-related condition.
Primary ciliary dyskinesia 14. Also called: CILIARY DYSKINESIA, PRIMARY, 14, WITH OR WITHOUT SITUS INVERSUS. Identifiers: Orphanet 244, MedGen C3151136, MONDO:0013434, OMIM 613807.

Submissions (5):

Genomic Medicine Center of Excellence, King Faisal Specialist Hospital and Research Centre
Classification: Pathogenic for Primary ciliary dyskinesia 14. Last evaluated: 2024-09-22. Review status: criteria provided, single submitter. Criteria: ACMG Guidelines, 2015. Collection method: clinical testing. Allele origin: germline.

Labcorp Genetics (formerly Invitae), Labcorp
Classification: Pathogenic for Primary ciliary dyskinesia. Last evaluated: 2024-04-25. Review status: criteria provided, single submitter. Criteria: Invitae Variant Classification Sherloc (09022015). Collection method: clinical testing. Allele origin: germline.
Comment: This sequence change creates a premature translational stop signal (p.Ile624Lysfs*3) in the CCDC39 gene. It is expected to result in an absent or disrupted protein product. Loss-of-function variants in CCDC39 are known to be pathogenic (PMID: 21131972, 23255504). This variant is not present in population databases (gnomAD no frequency). This premature translational stop signal has been observed in individual(s) with primary ciliary dyskinesia (Invitae). ClinVar contains an entry for this variant (Variation ID: 565319). For these reasons, this variant has been classified as Pathogenic.

PreventionGenetics, part of Exact Sciences
Classification: Pathogenic for CCDC39-related condition. Last evaluated: 2023-02-28. Review status: criteria provided, single submitter. Criteria: ACMG Guidelines, 2015. Collection method: clinical testing. Allele origin: germline.
Comment: The CCDC39 c.1871_1872delTA variant is predicted to result in a frameshift and premature protein termination (p.Ile624Lysfs*3). This variant has been reported in the homozygous state in multiple individuals with Primary ciliary dyskinesia (Monies et al. 2019. PubMed ID: 31130284. Table S1; Fassad et al. 2019. PubMed ID: 31879361). This variant has not been reported in a large population database, indicating this variant is rare. Frameshift variants in CCDC39 are expected to be pathogenic. This variant is interpreted as pathogenic.

Ambry Genetics
Classification: Pathogenic for Primary ciliary dyskinesia. Last evaluated: 2017-11-20. Review status: criteria provided, single submitter. Criteria: Ambry Variant Classification Scheme 2023. Collection method: clinical testing. Allele origin: germline.
Comment: The c.1871_1872delTA pathogenic mutation, located in coding exon 13 of the CCDC39 gene, results from a deletion of two nucleotides at nucleotide positions 1871 to 1872, causing a translational frameshift with a predicted alternate stop codon (p.I624Kfs*3). This alteration is expected to result in loss of function by premature protein truncation or nonsense-mediated mRNA decay. As such, this alteration is interpreted as a disease-causing mutation.

Pediatric Genetics Clinic, Sheba Medical Center
Classification: Likely pathogenic for Heterotaxy. Last evaluated: 2021-04-24. Review status: no assertion criteria provided. Collection method: research. Allele origin: inherited. Affected: yes. Observed: 2 variant alleles. Not counted in ClinVar's aggregate classification.

Literature cited by the submitters: PubMed 21131972 (cited by Labcorp Genetics (formerly Invitae), Labcorp); PubMed 23255504 (cited by Labcorp Genetics (formerly Invitae), Labcorp).